The following is an entry in ClinVar:

ClinVar aggregate classification (germline): Pathogenic (1 of 4 stars; one submission).

Conditions:
Marfan syndrome (MFS). Also called: MARFAN SYNDROME, TYPE I; Marfan syndrome type 1; Marfan's syndrome; Marfan syndrome, classic; FBN1-Related Marfan Syndrome. Identifiers: Orphanet 284963, Orphanet 558, MedGen C0024796, MONDO:0007947, OMIM 154700.
Familial thoracic aortic aneurysm and aortic dissection (TAAD). Also called: Thoracic aortic aneurysms and dissections. Identifiers: Orphanet 91387, MedGen C4707243, MONDO:0019625.

Submission:

Labcorp Genetics (formerly Invitae), Labcorp
Classification: Pathogenic for Marfan syndrome; Familial thoracic aortic aneurysm and aortic dissection. Last evaluated: 2025-07-06. Review status: criteria provided, single submitter. Criteria: Invitae Variant Classification Sherloc (09022015). Collection method: clinical testing. Allele origin: germline.
Comment: This sequence change replaces cysteine, which is neutral and slightly polar, with arginine, which is basic and polar, at codon 1470 of the FBN1 protein (p.Cys1470Arg). This variant is not present in population databases (gnomAD no frequency). This missense change has been observed in individuals with Marfan syndrome (PMID: 19161152; internal data). ClinVar contains an entry for this variant (Variation ID: 3759283). Invitae Evidence Modeling of protein sequence and biophysical properties (such as structural, functional, and spatial information, amino acid conservation, physicochemical variation, residue mobility, and thermodynamic stability) indicates that this missense variant is expected to disrupt FBN1 protein function with a positive predictive value of 95%. This variant affects a cysteine residue in the EGF-like, TGFBP or hybrid motif domains of FBN1. Cysteine residues are believed to be involved in intramolecular disulfide bridges and have been shown to be important for FBN1 protein structure (PMID: 16905551, 19349279). In addition, missense substitutions affecting cysteine residues within these domains are significantly overrepresented among patients with Marfan syndrome (PMID: 16571647, 17701892). For these reasons, this variant has been classified as Pathogenic.

Literature cited by the submitters: PubMed 19161152; PubMed 16905551; PubMed 19349279; PubMed 16571647; PubMed 17701892.

NM_000138.5(FBN1):c.4408T>C (p.Cys1470Arg)

Gene: FBN1 (fibrillin 1; minus strand). Cytogenetic location: 15q21.1.
Variant type: single nucleotide variant.
Coding change: c.4408T>C on transcript NM_000138.5 (MANE Select); coding-DNA position 4408, T replaced by C.
Protein change: p.Cys1470Arg; replaces cysteine 1470 with arginine.
Molecular consequence: missense variant.
Genome position (GRCh38, 1-based): chr15:48,470,685, A>G on the plus strand (T>C on the coding strand, the complement: FBN1 is on the minus strand). VCF-style: chr15-48470685-A-G. GRCh37 (hg19) VCF-style: chr15-48762882-A-G.
Other names: c.4408T>C, p.Cys1470Arg (NM_001406716.1); short protein forms C1470R.
Identifiers: ClinVar variation 3759283 (VCV003759283.2).